The following is an entry in ClinVar:

ClinVar aggregate classification (germline): Pathogenic (1 of 4 stars; one submission).

Submission:

Labcorp Genetics (formerly Invitae), Labcorp
Classification: Pathogenic. Last evaluated: 2022-03-14. Review status: criteria provided, single submitter. Criteria: Invitae Variant Classification Sherloc (09022015). Collection method: clinical testing. Allele origin: germline.
Comment: This variant is a gross deletion of the genomic region encompassing exon(s) 11-22 of the KIF11 gene, which includes the termination codon. This deletion extends beyond the assayed region for this gene and therefore may encompass additional genes. While this deletion is not anticipated to lead to nonsense mediated decay, it is expected to alter mRNA translation or result in a truncated protein product. For these reasons, this variant has been classified as Pathogenic. This variant disrupts a region of the KIF11 protein in which other variant(s) (Exons 13-14 deletion) have been determined to be pathogenic (Invitae). This suggests that this is a clinically significant region of the protein, and that variants that disrupt it are likely to be disease-causing. This variant has not been reported in the literature in individuals affected with KIF11-related conditions.

NC_000010.10:g.(?_94388545)_(94413553_?)del

Gene: KIF11 (kinesin family member 11; plus strand). Cytogenetic location: 10q23.33.
Variant type: Deletion.
Identifiers: ClinVar variation 2425141 (VCV002425141.4).